The following is an entry in ClinVar:

NM_025179.4(PLXNA2):c.494C>T (p.Thr165Met)

Gene: PLXNA2 (plexin A2; minus strand). Cytogenetic location: 1q32.2.
Variant type: single nucleotide variant.
Coding change: c.494C>T on transcript NM_025179.4 (MANE Select); coding-DNA position 494, C replaced by T.
Protein change: p.Thr165Met; replaces threonine 165 with methionine.
Molecular consequence: missense variant.
Genome position (GRCh38, 1-based): chr1:208,217,429, G>A on the plus strand (C>T on the coding strand, the complement: PLXNA2 is on the minus strand). VCF-style: chr1-208217429-G-A. GRCh37 (hg19) VCF-style: chr1-208390774-G-A.
Other names: short protein forms T165M.
Identifiers: ClinVar variation 2601350 (VCV002601350.4), dbSNP rs774922495, ClinGen allele CA1374065.
Genomic context (GRCh38, chr1:208,217,429, plus strand): 5'-CCGATGAAGAGCTTGCCATCCTCACCCTCAGAGCGCACAATCACCCCGTACATGGTGCCC[G>A]TCTTGTTGACACTGGACAGGTAGTGCTCCTTCTTGTGGGATGGCTCCACCAGGATGAAGA-3'
Protein context (NP_079455.3, residues 155-175): KEHYLSSVNK[Thr165Met]GTMYGVIVRS

ClinVar aggregate classification (germline): Uncertain significance. Review status: criteria provided, multiple submitters, no conflicts (2 of 4 stars). 2 submissions from 2 submitters: Uncertain significance (2). Last evaluated 2025-07-11.

Conditions:
PLXNA2-related disorder. Also called: PLXNA2-related condition.

Allele frequency attached by ClinVar (database versions not stated): ExAC 0.00001; gnomAD 0.00001; TOPMed 0.00002.
gnomAD v4.1: 15 of 1,614,060 alleles (0.00093%); highest among the groups gnomAD compares: South Asian, 0.0033%; no homozygotes.

Submissions (2):

PreventionGenetics, part of Exact Sciences
Classification: Uncertain significance for PLXNA2-related condition. Last evaluated: 2025-07-11. Review status: criteria provided, single submitter. Criteria: ACMG Guidelines, 2015. Collection method: clinical testing. Allele origin: germline.
Comment: The PLXNA2 c.494C>T variant is predicted to result in the amino acid substitution p.Thr165Met. To our knowledge, this variant has not been reported in the literature. This variant is reported in 0.0033% of alleles in individuals of South Asian descent in gnomAD. At this time, the clinical significance of this variant is uncertain due to the absence of conclusive functional and genetic evidence.

Ambry Genetics
Classification: Uncertain significance. Last evaluated: 2023-08-08. Review status: criteria provided, single submitter. Criteria: Ambry Variant Classification Scheme 2023. Collection method: clinical testing. Allele origin: germline.